The following is an entry in ClinVar:

NM_003384.3(VRK1):c.7_8delinsTT (p.Arg3Phe)

Gene: VRK1 (VRK serine/threonine kinase 1; plus strand). Cytogenetic location: 14q32.2.
Variant type: Indel.
Coding change: c.7_8delinsTT on transcript NM_003384.3 (MANE Select); coding-DNA positions 7 to 8, CG replaced by TT.
Protein change: p.Arg3Phe; replaces arginine 3 with phenylalanine.
Molecular consequence: missense variant.
Genome position (GRCh38, 1-based): chr14:96,833,478-96,833,479, CG replaced by TT. VCF-style: chr14-96833478-CG-TT. GRCh37 (hg19) VCF-style: chr14-97299815-CG-TT.
Other names: p.Arg3Phe; short protein forms R3F.
Identifiers: ClinVar variation 574450 (VCV000574450.5), dbSNP rs1566696565, ClinGen allele CA891844327.
Genomic context (GRCh38, chr14:96,833,478, plus strand): 5'-AACACTTCTAAGATTAGAATTCTGACCATTTCTTTGTTTTATGTTATAGTGAAAATGCCT[CG>TT]TGTAAAAGCAGCTCAAGCTGGAAGACAGAGCTCTGCAAAGAGACATCTTGCAGAACAATT-3'
Protein context (NP_003375.1, residues 1-13): MP[Arg3Phe]VKAAQAGRQS

ClinVar aggregate classification (germline): Uncertain significance. Review status: criteria provided, multiple submitters, no conflicts (2 of 4 stars). 3 submissions from 3 submitters: Uncertain significance (3). Last evaluated 2023-06-28.

Conditions:
Congenital pontocerebellar hypoplasia type 1. Also called: Pontocerebellar hypoplasia type 1. Identifiers: Orphanet 2254, MedGen C5442006, MONDO:0016396.
Inborn genetic diseases. Identifiers: MedGen C0950123, MeSH D030342.

Submissions (3):

Mayo Clinic Laboratories, Mayo Clinic
Classification: Uncertain significance. Last evaluated: 2023-06-28. Review status: criteria provided, single submitter. Criteria: ACMG Guidelines, 2015. Collection method: clinical testing. Allele origin: germline. Observed: 1 variant allele.

Ambry Genetics
Classification: Uncertain significance for Inborn genetic diseases. Last evaluated: 2021-03-19. Review status: criteria provided, single submitter. Criteria: Ambry Variant Classification Scheme 2023. Collection method: clinical testing. Allele origin: germline.
Comment: The c.7_8delCGinsTT variant (also known as p.R3F), located in coding exon 1 of the VRK1 gene, results from an in-frame deletion of CG and insertion of TT at nucleotide positions 7 to 8. This results in the substitution of the arginine residue for a phenylalanine residue at codon 3, an amino acid with similar properties. This amino acid position is well conserved in available vertebrate species. In addition, this alteration is predicted to be neutral by in silico analysis (Choi Y et al. PLoS ONE. 2012; 7(10):e46688). Since supporting evidence is limited at this time, the clinical significance of this alteration remains unclear.

Labcorp Genetics (formerly Invitae), Labcorp
Classification: Uncertain significance for Pontocerebellar hypoplasia type 1. Last evaluated: 2018-01-25. Review status: criteria provided, single submitter. Criteria: Invitae Variant Classification Sherloc (09022015). Collection method: clinical testing. Allele origin: germline.
Comment: This sequence change replaces arginine with phenylalanine at codon 3 of the VRK1 protein (p.Arg3Phe). The arginine residue is moderately conserved and there is a moderate physicochemical difference between arginine and phenylalanine. This variant is not present in population databases (ExAC no frequency). This variant has not been reported in the literature in individuals with VRK1-related disease. Algorithms developed to predict the effect of missense changes on protein structure and function do not agree on the potential impact of this missense change (SIFT: "Deleterious"; PolyPhen-2: "Benign"; Align-GVGD: "Class C0"). In summary, the available evidence is currently insufficient to determine the role of this variant in disease. Therefore, it has been classified as a Variant of Uncertain Significance.